The following is an entry in ClinVar:

ClinVar aggregate classification (germline): Benign (1 of 4 stars; one submission).

Submission:

ISCA site 4
Classification: Benign. Last evaluated: 2011-08-12. Review status: criteria provided, single submitter. Criteria: Kaminsky et al. (Genet Med. 2011). Collection method: clinical testing. Allele origin: unknown. Affected: yes. Observed: 2 variant alleles.
Comment: Copy number variation identified through the course of routine clinical cytogenomic testing in postnatal populations. Clinical assertions have been curated as described in Kaminsky et al. 2011.

GRCh38/hg38 Xq28(chrX:155998122-156013167)x1

Gene: IL9R (interleukin 9 receptor; plus strand). Cytogenetic location: Xq28.
Variant type: copy number loss.
Change: copy number 1 of chrX:155,998,122-156,013,167 (15.0 kb, GRCh38 coordinates, 1-based), cytogenetic band Xq28.
Identifiers: ClinVar variation 59662 (VCV000059662.1).